The following is an entry in ClinVar:

ClinVar aggregate classification (germline): Benign. Review status: reviewed by expert panel (3 of 4 stars). 3 submissions from 3 submitters: Benign (1). 2 of the submissions do not count toward it. Last evaluated 2026-02-06.

Conditions:
Thrombus. Identifiers: MedGen C0087086, MeSH D013927.
Inborn genetic diseases. Identifiers: MedGen C0950123, MeSH D030342.
Hereditary factor IX deficiency disease (HEMB). Also called: F9 DEFICIENCY; FACTOR IX DEFICIENCY; Christmas Disease; PLASMA THROMBOPLASTIN COMPONENT DEFICIENCY; Hemophilia B. Identifiers: Orphanet 98879, MedGen C0008533, MeSH D002836, MONDO:0010604, OMIM 306900.

Submissions (3):

ClinGen Coagulation Factor Deficiency Variant Curation Expert Panel, Clingen
Classification: Benign for Hereditary factor IX deficiency disease. Last evaluated: 2026-02-06. Review status: reviewed by expert panel. Criteria: ClinGen CoagFactor ACMG Specifications F9 V1.0.0. Collection method: curation. Allele origin: germline. Inheritance: X-linked inheritance.
Comment: The NM_000133.4(F9):c.1151G>A; p.Arg384Gln variant is a missense variant in F9 that is absent in the general population (gnomAD v2.1.1/gnomAD v3; PM2_Supporting). The variant has been observed in at least 1 proband with significantly elevated F9 activity and a mild decrease in F9 antigen (PMID:32079698; BS2). Functional studies using mammalian cell lines and murine models demonstrated significantly elevated F9 activity (PMID:2079698, PMID:33656538; BS3). In summary, this variant meets criteria to be classified as benign for hemophilia B; however, it may result in elevated risk of thrombosis. This variant has been associated with a thrombosis risk and referred to as FIX Shanghai in the literature (PMID: 32079698, 41129587). ACMG/AMP criteria applied, as specified by the Coagulation Factor Deficiency Variant Curation Expert Panel for F9 rule specifications v1.0.0: BS2, BS3, PM2_Supporting.

Ambry Genetics
Classification: Uncertain significance for Inborn genetic diseases. Last evaluated: 2017-12-27. Review status: criteria provided, single submitter. Criteria: Ambry exome assertion method (8-5-2015). Collection method: clinical testing. Allele origin: germline. Affected: yes. Observed: 1 variant allele. Not counted in ClinVar's aggregate classification.

ISTH-SSC Genomics in Thrombosis and Hemostasis, KU Leuven, Center for Molecular and Vascular Biology
Classification: Uncertain significance for Thrombus. Review status: criteria provided, single submitter. Criteria: ACMG Guidelines, 2015. Collection method: clinical testing. Allele origin: germline. Affected: yes. Observed: 1 hemizygote. Not counted in ClinVar's aggregate classification.
Comment: Submitted to the GoldVariant database by Kathleen Freson, Center for Molecular and Vascular Biology

Literature cited by the submitters: PubMed 19846852 (cited by Ambry Genetics); PubMed 7937052 (cited by Ambry Genetics).

NM_000133.4(F9):c.1151G>A (p.Arg384Gln)

Gene: F9 (coagulation factor IX; plus strand). Cytogenetic location: Xq27.1.
Variant type: single nucleotide variant.
Coding change: c.1151G>A on transcript NM_000133.4 (MANE Select); coding-DNA position 1151, G replaced by A.
Protein change: p.Arg384Gln; replaces arginine 384 with glutamine.
Molecular consequence: missense variant.
Genome position (GRCh38, 1-based): chrX:139,561,836, G>A. VCF-style: chrX-139561836-G-A. GRCh37 (hg19) VCF-style: chrX-138643995-G-A.
Other names: NM_000133.4(F9):c.1151G>A; p.Arg384Gln; c.1037G>A, p.Arg346Gln (NM_001313913.2); short protein forms R346Q, R384Q.
Identifiers: ClinVar variation 985854 (VCV000985854.5), dbSNP rs137852283, ClinGen allele CA414446196.